The following is an entry in ClinVar:

ClinVar aggregate classification (germline): Likely benign (1 of 4 stars; one submission).

Conditions:
Malignant hyperthermia, susceptibility to, 1 (MHS1). Also called: RYR1-Related Malignant Hyperthermia Susceptibility; Anesthesia related hyperthermia; Malignant hyperpyrexia; Fulminating hyperpyrexia; Pharmacogenic myopathy; Malignant hyperthermia suceptibility 1. Identifiers: Orphanet 423, MedGen C2930980, MONDO:0007783, OMIM 145600.

Allele frequency attached by ClinVar (database versions not stated): TOPMed below 0.00001; gnomAD 0.00001.
gnomAD v4.1: 2 of 1,613,614 alleles (0.00012%); highest among the groups gnomAD compares: Non-Finnish European, 0.00017%; no homozygotes.

Submission:

All of Us Research Program, National Institutes of Health
Classification: Likely benign for Malignant hyperthermia, susceptibility to, 1. Last evaluated: 2023-02-24. Review status: criteria provided, single submitter. Criteria: ACMG Guidelines, 2015. Collection method: clinical testing. Allele origin: germline. Inheritance: Autosomal dominant inheritance. Observed: 1 variant allele, 1 heterozygote.
Comment: This study involves interpretation of variants in research participants for the purpose of population health screening. Participant phenotype was not available at the time of variant classification. Additional details can be found in publication PMID: 35346344, PMCID: PMC8962531

NM_000540.3(RYR1):c.7461G>A (p.Gln2487=)

Gene: RYR1 (ryanodine receptor 1; plus strand). Cytogenetic location: 19q13.2.
Variant type: single nucleotide variant.
Coding change: c.7461G>A on transcript NM_000540.3 (MANE Select); coding-DNA position 7461, G replaced by A.
Protein change: p.Gln2487=; no amino-acid change (glutamine 2487 retained).
Molecular consequence: synonymous variant.
Genome position (GRCh38, 1-based): chr19:38,500,837, G>A. VCF-style: chr19-38500837-G-A. GRCh37 (hg19) VCF-style: chr19-38991477-G-A.
Other names: c.7461G>A, p.Gln2487= (NM_001042723.2).
Identifiers: ClinVar variation 3069718 (VCV003069718.1), dbSNP rs768647526, ClinGen allele CA507354008.
Genomic context (GRCh38, chr19:38,500,837, plus strand): 5'-CTGGGTCCGCAGGGCATCCCCGAACCCACCCTCCCTGCCTGCAGATGGGGCTCTGGTGCA[G>A]CCAAAGATGTCAGCATCCTTCGTGCCGGACCACAAGGCGTCCATGGTGCTCTTCCTGGAC-3'
Protein context (NP_000531.2, residues 2477-2497): PTLGKDGALV[Gln2487=]PKMSASFVPD